The following is an entry in ClinVar:

ClinVar aggregate classification (germline): Uncertain significance (1 of 4 stars; one submission).

Conditions:
Cardiovascular phenotype. Identifiers: MedGen CN230736.

Allele frequency attached by ClinVar (database versions not stated): gnomAD exomes below 0.00001; TOPMed below 0.00001; gnomAD 0.00001; ExAC 0.00002.
gnomAD v4.1: 6 of 1,613,820 alleles (0.00037%); highest among the groups gnomAD compares: East Asian, 0.0045%; no homozygotes.

Submission:

Ambry Genetics
Classification: Uncertain significance for Cardiovascular phenotype. Last evaluated: 2024-02-22. Review status: criteria provided, single submitter. Criteria: Ambry Variant Classification Scheme 2023. Collection method: clinical testing. Allele origin: germline.
Comment: The p.T168A variant (also known as c.502A>G), located in coding exon 5 of the ABCA1 gene, results from an A to G substitution at nucleotide position 502. The threonine at codon 168 is replaced by alanine, an amino acid with similar properties. This amino acid position is conserved. In addition, this alteration is predicted to be tolerated by in silico analysis. Based on the available evidence, the clinical significance of this alteration remains unclear.

NM_005502.4(ABCA1):c.502A>G (p.Thr168Ala)

Gene: ABCA1 (ATP binding cassette subfamily A member 1; minus strand). Cytogenetic location: 9q31.1.
Variant type: single nucleotide variant.
Coding change: c.502A>G on transcript NM_005502.4 (MANE Select); coding-DNA position 502, A replaced by G.
Protein change: p.Thr168Ala; replaces threonine 168 with alanine.
Molecular consequence: missense variant.
Genome position (GRCh38, 1-based): chr9:104,861,720, T>C on the plus strand (A>G on the coding strand, the complement: ABCA1 is on the minus strand). VCF-style: chr9-104861720-T-C. GRCh37 (hg19) VCF-style: chr9-107624001-T-C.
Other names: short protein forms T168A.
Identifiers: ClinVar variation 3224763 (VCV003224763.1), dbSNP rs749114734, ClinGen allele CA5169373.